The following is an entry in ClinVar:

ClinVar aggregate classification (germline): Uncertain significance (1 of 4 stars; one submission).

Conditions:
Hereditary cancer-predisposing syndrome. Also called: Hereditary Cancer Syndrome; Tumor predisposition; Hereditary neoplastic syndrome; Neoplastic Syndromes, Hereditary. Identifiers: Orphanet 140162, MedGen C0027672, MeSH D009386, MONDO:0015356.

gnomAD v4.1: 1 of 1,613,946 alleles (0.000062%); highest among the groups gnomAD compares: Non-Finnish European, 0.000085%; no homozygotes.

Submission:

Ambry Genetics
Classification: Uncertain significance for Hereditary cancer-predisposing syndrome. Last evaluated: 2024-05-25. Review status: criteria provided, single submitter. Criteria: Ambry Variant Classification Scheme 2023. Collection method: clinical testing. Allele origin: germline.
Comment: The p.L622I variant (also known as c.1864C>A), located in coding exon 9 of the BARD1 gene, results from a C to A substitution at nucleotide position 1864. The leucine at codon 622 is replaced by isoleucine, an amino acid with highly similar properties. This amino acid position is conserved. In addition, this alteration is predicted to be tolerated by in silico analysis. Based on the available evidence, the clinical significance of this variant remains unclear.

NM_000465.4(BARD1):c.1864C>A (p.Leu622Ile)

Gene: BARD1 (BRCA1 associated RING domain 1; minus strand). Cytogenetic location: 2q35.
Variant type: single nucleotide variant.
Coding change: c.1864C>A on transcript NM_000465.4 (MANE Select); coding-DNA position 1864, C replaced by A.
Protein change: p.Leu622Ile; replaces leucine 622 with isoleucine.
Molecular consequence: missense variant. On other transcripts: non-coding transcript variant (3), intron variant (1).
Genome position (GRCh38, 1-based): chr2:214,745,106, G>T on the plus strand (C>A on the coding strand, the complement: BARD1 is on the minus strand). VCF-style: chr2-214745106-G-T. GRCh37 (hg19) VCF-style: chr2-215609830-G-T.
Other names: c.1807C>A, p.Leu603Ile (NM_001282543.2); c.511C>A, p.Leu171Ile (NM_001282545.2); c.454C>A, p.Leu152Ile (NM_001282548.2); c.365-14598C>A (NM_001282549.2); short protein forms L603I, L622I, L171I, L152I.
Identifiers: ClinVar variation 3260449 (VCV003260449.1).